The following is an entry in ClinVar:

ClinVar aggregate classification (germline): Likely pathogenic (1 of 4 stars; one submission).

Conditions:
Mucopolysaccharidosis, MPS-II (MPS2). Also called: Hunter Syndrome; IDURONATE 2-SULFATASE DEFICIENCY; Mucopolysaccharidosis Type II; Mucopolysaccharidosis type 2; Attenuated MPS (subtype; formerly known as mild MPS II); Severe MPS II. Identifiers: Orphanet 580, Orphanet 79388, MedGen C0026705, MONDO:0010674, OMIM 309900.

Submission:

Laboratory of Diagnosis and Therapy of Lysosomal Disorders, University of Padova
Classification: Likely pathogenic for Mucopolysaccharidosis, MPS-II. Last evaluated: 2024-06-07. Review status: criteria provided, single submitter. Criteria: ACMG Guidelines, 2015. Collection method: literature only. Allele origin: germline. Affected: yes. Observed: 4 variant alleles.
Comment: Absent from controls (or at low frequency) in gnomAD database (PM2_Moderate), Missense variant in a gene with a low rate of benign missense variation (PP2_Supporting), Multiple lines of computational evidence support a deleterious effect (PP3_Supporting), Patient’s phenotype or family history highly specific for the disease (PP4_Strong)

Classification method: ACMG Guidelines [PMID:25741868] with modifications

Literature cited by the submitters: PubMed 9921913; PubMed 14728992; PubMed 33676511.

NM_000202.8(IDS):c.593A>G (p.Asp198Gly)

Genes: IDS (iduronate 2-sulfatase; minus strand), LOC106050102 (IDS recombination region; plus strand). Cytogenetic location: Xq28.
Variant type: single nucleotide variant.
Coding change: c.593A>G on transcript NM_000202.8 (MANE Select); coding-DNA position 593, A replaced by G.
Protein change: p.Asp198Gly; replaces aspartic acid 198 with glycine.
Molecular consequence: missense variant. On other transcripts: non-coding transcript variant (1).
Genome position (GRCh38, 1-based): chrX:149,498,222, T>C on the plus strand (A>G on the coding strand, the complement: IDS is on the minus strand). VCF-style: chrX-149498222-T-C. GRCh37 (hg19) VCF-style: chrX-148579753-T-C.
Other names: c.323A>G, p.Asp108Gly (NM_001166550.4); c.593A>G, p.Asp198Gly (NM_006123.5); short protein forms D108G, D198G.
Identifiers: ClinVar variation 3255775 (VCV003255775.2).
Genomic context (GRCh38, chrX:149,498,222, plus strand): 5'-GGACTGGCTGACGTTTTCATCTTTTCCAACAACTGTATGGCTTGCTCAGTGCTCTGTTTG[T>C]CAGGCAAGGTGCCCTCGGGAACATCCAGCACATCCACAGGGCAAAGCAGGTTGGCATGGA-3'
Protein context (NP_000193.1, residues 188-208): VLDVPEGTLP[Asp198Gly]KQSTEQAIQL